The following is an entry in ClinVar:

NM_012448.4(STAT5B):c.1906C>T (p.Gln636Ter)

Gene: STAT5B (signal transducer and activator of transcription 5B; minus strand). Cytogenetic location: 17q21.2.
Variant type: single nucleotide variant.
Coding change: c.1906C>T on transcript NM_012448.4 (MANE Select); coding-DNA position 1906, C replaced by T.
Protein change: p.Gln636Ter; replaces glutamine 636 with a stop codon.
Molecular consequence: nonsense.
Genome position (GRCh38, 1-based): chr17:42,210,171, G>A on the plus strand (C>T on the coding strand, the complement: STAT5B is on the minus strand). VCF-style: chr17-42210171-G-A. GRCh37 (hg19) VCF-style: chr17-40362189-G-A.
Other names: short protein forms Q636*.
Identifiers: ClinVar variation 2869095 (VCV002869095.3), dbSNP rs367846125, ClinGen allele CA399576503.

ClinVar aggregate classification (germline): Pathogenic (1 of 4 stars; one submission).

Conditions:
Growth hormone insensitivity with immune dysregulation 1, autosomal recessive. Also called: GROWTH HORMONE INSENSITIVITY DUE TO POSTRECEPTOR DEFECT; LARON SYNDROME DUE TO POSTRECEPTOR DEFECT; Laron syndrome with immunodeficiency; GROWTH HORMONE INSENSITIVITY SYNDROME WITH IMMUNE DYSREGULATION 1, AUTOSOMAL RECESSIVE. Identifiers: Orphanet 220465, MedGen C5435698, MONDO:0100211, OMIM 245590.

Allele frequency attached by ClinVar (database versions not stated): gnomAD exomes below 0.00001.
gnomAD v4.1: 2 of 1,614,134 alleles (0.00012%); highest among the groups gnomAD compares: Non-Finnish European, 0.00017%; no homozygotes.

Submission:

Labcorp Genetics (formerly Invitae), Labcorp
Classification: Pathogenic for Growth hormone insensitivity with immune dysregulation 1, autosomal recessive. Last evaluated: 2024-04-29. Review status: criteria provided, single submitter. Criteria: Invitae Variant Classification Sherloc (09022015). Collection method: clinical testing. Allele origin: germline.
Comment: This sequence change creates a premature translational stop signal (p.Gln636*) in the STAT5B gene. It is expected to result in an absent or disrupted protein product. Loss-of-function variants in STAT5B are known to be pathogenic (PMID: 15827093). This variant is not present in population databases (gnomAD no frequency). This variant has not been reported in the literature in individuals affected with STAT5B-related conditions. For these reasons, this variant has been classified as Pathogenic.

Literature cited by the submitters: PubMed 15827093.